The following is an entry in ClinVar:

NM_002340.6(LSS):c.1950T>C (p.His650=)

Gene: LSS (lanosterol synthase; minus strand). Cytogenetic location: 21q22.3.
Variant type: single nucleotide variant.
Coding change: c.1950T>C on transcript NM_002340.6 (MANE Select); coding-DNA position 1950, T replaced by C.
Protein change: p.His650=; no amino-acid change (histidine 650 retained).
Molecular consequence: synonymous variant.
Genome position (GRCh38, 1-based): chr21:46,194,529, A>G on the plus strand (T>C on the coding strand, the complement: LSS is on the minus strand). VCF-style: chr21-46194529-A-G. GRCh37 (hg19) VCF-style: chr21-47614443-A-G.
Other names: c.1950T>C, p.His650= (NM_001001438.3); c.1917T>C, p.His639= (NM_001145436.2); c.1710T>C, p.His570= (NM_001145437.2).
Identifiers: ClinVar variation 677176 (VCV000677176.10), dbSNP rs2254522, ClinGen allele CA10074797.

ClinVar aggregate classification (germline): Benign. Review status: criteria provided, multiple submitters, no conflicts (2 of 4 stars). 3 submissions from 3 submitters: Benign (3). Last evaluated 2026-02-02.

Allele frequency attached by ClinVar (database versions not stated): gnomAD exomes 0.21432 and 0.25737; 1000 Genomes Project 0.33846; gnomAD 0.24614 and 0.25235; TOPMed 0.25775; ExAC 0.25936; ESP Exome Variant Server 0.23981; 1000 Genomes Project 30x 0.33745.
gnomAD v4.1: 353,049 of 1,613,500 alleles (22%); highest among the groups gnomAD compares: East Asian, 62%; 44,346 homozygotes.

Submissions (3):

Labcorp Genetics (formerly Invitae), Labcorp
Classification: Benign. Last evaluated: 2026-02-02. Review status: criteria provided, single submitter. Criteria: Invitae Variant Classification Sherloc (09022015). Collection method: clinical testing. Allele origin: germline.

GeneDx
Classification: Benign. Last evaluated: 2018-04-02. Review status: criteria provided, single submitter. Criteria: GeneDx Variant Classification (06012015). Collection method: clinical testing. Allele origin: germline. Affected: yes.
Comment: This variant is considered likely benign or benign based on one or more of the following criteria: it is a conservative change, it occurs at a poorly conserved position in the protein, it is predicted to be benign by multiple in silico algorithms, and/or has population frequency not consistent with disease.

Breakthrough Genomics
Classification: Benign. Review status: criteria provided, single submitter. Criteria: ACMG Guidelines, 2015. Collection method: not provided. Allele origin: germline. Inheritance: Autosomal recessive inheritance. Affected: yes.